The following is an entry in ClinVar:

NC_000014.8:g.(58909599_58910671)_(58917465_58920067)del

Gene: KIAA0586 (KIAA0586; plus strand). Cytogenetic location: 14q23.1.
Variant type: Deletion.
Identifiers: ClinVar variation 4847563 (VCV004847563.1).

ClinVar aggregate classification (germline): Pathogenic (1 of 4 stars; one submission).

Conditions:
Joubert syndrome and related disorders. Identifiers: Orphanet 140874, MedGen C5679612, MONDO:0015369.

Submission:

Women's Health and Genetics/Laboratory Corporation of America, LabCorp
Classification: Pathogenic for Joubert syndrome and related disorders. Last evaluated: 2026-03-02. Review status: criteria provided, single submitter. Criteria: LabCorp Variant Classification Summary - May 2015. Collection method: clinical testing. Allele origin: germline.
Comment: Variant summary: The variant involves the deletion of exons 8-10 in the KIAA0586 gene. A presumed nomenclature of c.(744+1_745-1)_(1288+1_1289-1)del has been designated for the purposes of this classification. This Copy Number Variant (CNV) is expected to alter the reading frame and predicted to result in a truncation or absence of the encoded protein due to nonsense mediated decay (NMD). Loss-of-function variants in this gene are known to be pathogenic. The variant was absent in 21688 control chromosomes. c.(744+1_745-1)_(1288+1_1289-1)del has been observed in individuals affected with Joubert Syndrome And Related Disorders (e.g. D'Abrusco_2024). These data indicate that the variant is likely to be associated with disease. To our knowledge, no experimental evidence demonstrating an impact on protein function has been reported. The following publication has been ascertained in the context of this evaluation (PMID: 39394465). ClinVar contains an entry for this variant (Variation ID: 583841). Based on the evidence outlined above, the variant was classified as pathogenic.

Literature cited by the submitters: PubMed 39394465.